The following is an entry in ClinVar:

NM_000268.4(NF2):c.754C>G (p.Pro252Ala)

Gene: NF2 (NF2, moesin-ezrin-radixin like (MERLIN) tumor suppressor; plus strand). Cytogenetic location: 22q12.2.
Variant type: single nucleotide variant.
Coding change: c.754C>G on transcript NM_000268.4 (MANE Select); coding-DNA position 754, C replaced by G.
Protein change: p.Pro252Ala; replaces proline 252 with alanine.
Molecular consequence: missense variant. On other transcripts: non-coding transcript variant (1), intron variant (1).
Genome position (GRCh38, 1-based): chr22:29,661,283, C>G. VCF-style: chr22-29661283-C-G. GRCh37 (hg19) VCF-style: chr22-30057272-C-G.
Other names: c.754C>G (NM_000268.3); c.754C>G, p.Pro252Ala (NM_016418.5, NM_181825.3, NM_181832.3); c.628C>G, p.Pro210Ala (NM_181828.3); c.631C>G, p.Pro211Ala (NM_181829.3); c.505C>G, p.Pro169Ala (NM_181830.3, NM_181831.3); c.447+18998C>G (NM_181833.3); short protein forms P211A, P252A, P169A, P210A.
Identifiers: ClinVar variation 1516736 (VCV001516736.10), dbSNP rs2066469878, ClinGen allele CA411143897.
Genomic context (GRCh38, chr22:29,661,283, plus strand): 5'-CTGCTGCTTGGAGTGGATGCCCTGGGGCTTCACATTTATGACCCTGAGAACAGACTGACC[C>G]CCAAGATCTCCTTCCCGTGGAATGAAATCCGAAACATCTCGTACAGTGACAAGGAGGTAG-3'
Protein context (NP_000259.1, residues 242-262): HIYDPENRLT[Pro252Ala]KISFPWNEIR

ClinVar aggregate classification (germline): Uncertain significance. Review status: criteria provided, multiple submitters, no conflicts (2 of 4 stars). 3 submissions from 3 submitters: Uncertain significance (3). Last evaluated 2025-08-28.

Conditions:
Hereditary cancer-predisposing syndrome. Also called: Neoplastic Syndromes, Hereditary; Hereditary Cancer Syndrome; Hereditary neoplastic syndrome; Tumor predisposition. Identifiers: Orphanet 140162, MedGen C0027672, MeSH D009386, MONDO:0015356.
Neurofibromatosis, type 2 (SWNV). Also called: SCHWANNOMATOSIS, VESTIBULAR; BILATERAL ACOUSTIC NEUROFIBROMATOSIS; NF2-Related Schwannomatosis. Identifiers: Orphanet 637, MedGen C0027832, MONDO:0007039, OMIM 101000. Disease mechanism: loss of function.
Familial meningioma. Also called: Meningioma, familial, susceptibility to. Identifiers: Orphanet 263662, MedGen C3551915, MONDO:0011789, OMIM 607174.

Allele frequency attached by ClinVar (database versions not stated): gnomAD exomes 0.00002.
gnomAD v4.1: 10 of 1,614,196 alleles (0.00062%); highest among the groups gnomAD compares: East Asian, 0.022%; no homozygotes.

Submissions (3):

Labcorp Genetics (formerly Invitae), Labcorp
Classification: Uncertain significance for Neurofibromatosis, type 2. Last evaluated: 2025-08-28. Review status: criteria provided, single submitter. Criteria: Invitae Variant Classification Sherloc (09022015). Collection method: clinical testing. Allele origin: germline.
Comment: This sequence change replaces proline, which is neutral and non-polar, with alanine, which is neutral and non-polar, at codon 252 of the NF2 protein (p.Pro252Ala). This variant is not present in population databases (gnomAD no frequency). This variant has not been reported in the literature in individuals affected with NF2-related conditions. ClinVar contains an entry for this variant (Variation ID: 1516736). Invitae Evidence Modeling of protein sequence and biophysical properties (such as structural, functional, and spatial information, amino acid conservation, physicochemical variation, residue mobility, and thermodynamic stability) indicates that this missense variant is not expected to disrupt NF2 protein function with a negative predictive value of 80%. In summary, the available evidence is currently insufficient to determine the role of this variant in disease. Therefore, it has been classified as a Variant of Uncertain Significance.

Ambry Genetics
Classification: Uncertain significance for Hereditary cancer-predisposing syndrome. Last evaluated: 2024-06-27. Review status: criteria provided, single submitter. Criteria: Ambry Variant Classification Scheme 2023. Collection method: clinical testing. Allele origin: germline.
Comment: The p.P252A variant (also known as c.754C>G), located in coding exon 8 of the NF2 gene, results from a C to G substitution at nucleotide position 754. The proline at codon 252 is replaced by alanine, an amino acid with highly similar properties. This amino acid position is well conserved in available vertebrate species. In addition, the in silico prediction for this alteration is inconclusive. Based on the available evidence, the clinical significance of this variant remains unclear.

Baylor Genetics
Classification: Uncertain significance for Familial meningioma. Last evaluated: 2023-12-01. Review status: criteria provided, single submitter. Criteria: ACMG Guidelines, 2015. Collection method: clinical testing. Allele origin: unknown.